The following is an entry in ClinVar:

ClinVar aggregate classification (germline): Uncertain significance. Review status: criteria provided, multiple submitters, no conflicts (2 of 4 stars). 2 submissions from 2 submitters: Uncertain significance (2). Last evaluated 2025-07-17.

Submissions (2):

GeneDx
Classification: Uncertain significance. Last evaluated: 2025-07-17. Review status: criteria provided, single submitter. Criteria: GeneDx Variant Classification Process June 2021. Collection method: clinical testing. Allele origin: germline. Affected: yes.
Comment: Not observed at significant frequency in large population cohorts (gnomAD); Alters the last nucleotide of the exon and is predicted to damage the splice donor site but the effect on protein function is unclear; Has not been previously published as pathogenic or benign to our knowledge; In silico analysis supports that this missense variant has a deleterious effect on protein structure/function

Blueprint Genetics
Classification: Uncertain significance. Last evaluated: 2021-07-06. Review status: criteria provided, single submitter. Criteria: ACMG Guidelines, 2015. Collection method: clinical testing. Allele origin: germline.

NM_015662.3(IFT172):c.1937G>A (p.Arg646Lys)

Gene: IFT172 (intraflagellar transport 172; minus strand). Cytogenetic location: 2p23.3.
Variant type: single nucleotide variant.
Coding change: c.1937G>A on transcript NM_015662.3 (MANE Select); coding-DNA position 1937, G replaced by A.
Protein change: p.Arg646Lys; replaces arginine 646 with lysine.
Molecular consequence: missense variant.
Genome position (GRCh38, 1-based): chr2:27,465,411, C>T on the plus strand (G>A on the coding strand, the complement: IFT172 is on the minus strand). VCF-style: chr2-27465411-C-T. GRCh37 (hg19) VCF-style: chr2-27688278-C-T.
Other names: c.1871G>A, p.Arg624Lys (NM_001410739.1); short protein forms R624K, R646K.
Identifiers: ClinVar variation 4686398 (VCV004686398.2).
Genomic context (GRCh38, chr2:27,465,411, plus strand): 5'-ATACTCATGTGATTATCCCTCCTAGCTGCGTGGCACCTCTGTTCTACATGTCTACCTCAC[C>T]TCTCCGCAATGTGTAGTTGCCTTGCCTCTAGTGCCAGTTTACTCAAGGTTTTCCACATTG-3'
Protein context (NP_056477.1, residues 636-656): LEARQLHIAE[Arg646Lys]CFSALGQVAK